The following is an entry in ClinVar:

NM_002432.3(MNDA):c.1169T>C (p.Phe390Ser)

Gene: MNDA (myeloid cell nuclear differentiation antigen; plus strand). Cytogenetic location: 1q23.1.
Variant type: single nucleotide variant.
Coding change: c.1169T>C on transcript NM_002432.3 (MANE Select); coding-DNA position 1169, T replaced by C.
Protein change: p.Phe390Ser; replaces phenylalanine 390 with serine.
Molecular consequence: missense variant.
Genome position (GRCh38, 1-based): chr1:158,847,909, T>C. VCF-style: chr1-158847909-T-C. GRCh37 (hg19) VCF-style: chr1-158817699-T-C.
Other names: short protein forms F390S.
Identifiers: ClinVar variation 3295437 (VCV003295437.1).

ClinVar aggregate classification (germline): Uncertain significance (1 of 4 stars; one submission).

Submission:

Ambry Genetics
Classification: Uncertain significance. Last evaluated: 2024-04-12. Review status: criteria provided, single submitter. Criteria: Ambry Variant Classification Scheme 2023. Collection method: clinical testing. Allele origin: germline.
Comment: The p.F390S variant (also known as c.1169T>C), located in coding exon 5 of the MNDA gene, results from a T to C substitution at nucleotide position 1169. The phenylalanine at codon 390 is replaced by serine, an amino acid with highly dissimilar properties. This amino acid position is conserved. In addition, this alteration is predicted to be tolerated by in silico analysis. Based on the available evidence, the clinical significance of this variant remains unclear.